The following is an entry in ClinVar:

NM_000057.4(BLM):c.1622A>G (p.Asn541Ser)

Gene: BLM (BLM RecQ like helicase; plus strand). Cytogenetic location: 15q26.1.
Variant type: single nucleotide variant.
Coding change: c.1622A>G on transcript NM_000057.4 (MANE Select); coding-DNA position 1622, A replaced by G.
Protein change: p.Asn541Ser; replaces asparagine 541 with serine.
Molecular consequence: missense variant.
Genome position (GRCh38, 1-based): chr15:90,760,995, A>G. VCF-style: chr15-90760995-A-G. GRCh37 (hg19) VCF-style: chr15-91304225-A-G.
Other names: c.1622A>G, p.Asn541Ser (NM_001287246.2, NM_001287247.2); c.497A>G, p.Asn166Ser (NM_001287248.2); c.1622A>G (NM_000057.2); short protein forms N541S, N166S.
Identifiers: ClinVar variation 942223 (VCV000942223.14), dbSNP rs1240946873, ClinGen allele CA393843464.

ClinVar aggregate classification (germline): Uncertain significance. Review status: criteria provided, multiple submitters, no conflicts (2 of 4 stars). 3 submissions from 3 submitters: Uncertain significance (2). 1 of the submissions does not count toward it. Last evaluated 2025-06-19.

Conditions:
Hereditary cancer-predisposing syndrome. Also called: Hereditary neoplastic syndrome; Neoplastic Syndromes, Hereditary; Tumor predisposition; Hereditary Cancer Syndrome. Identifiers: Orphanet 140162, MedGen C0027672, MeSH D009386, MONDO:0015356.
Bloom syndrome (BLM). Also called: Bloom-Torre-Machacek syndrome. Identifiers: Orphanet 125, MedGen C0005859, MONDO:0008876, OMIM 210900.

Allele frequency attached by ClinVar (database versions not stated): gnomAD exomes below 0.00001.
gnomAD v4.1: 2 of 1,610,426 alleles (0.00012%); highest among the groups gnomAD compares: Admixed American, 0.0017%; no homozygotes.

Submissions (3):

Labcorp Genetics (formerly Invitae), Labcorp
Classification: Uncertain significance for Bloom syndrome. Last evaluated: 2025-06-19. Review status: criteria provided, single submitter. Criteria: Invitae Variant Classification Sherloc (09022015). Collection method: clinical testing. Allele origin: germline.
Comment: This sequence change replaces asparagine, which is neutral and polar, with serine, which is neutral and polar, at codon 541 of the BLM protein (p.Asn541Ser). This variant is present in population databases (no rsID available, gnomAD 0.0009%). This variant has not been reported in the literature in individuals affected with BLM-related conditions. ClinVar contains an entry for this variant (Variation ID: 942223). Invitae Evidence Modeling of protein sequence and biophysical properties (such as structural, functional, and spatial information, amino acid conservation, physicochemical variation, residue mobility, and thermodynamic stability) indicates that this missense variant is not expected to disrupt BLM protein function with a negative predictive value of 80%. In summary, the available evidence is currently insufficient to determine the role of this variant in disease. Therefore, it has been classified as a Variant of Uncertain Significance.

Ambry Genetics
Classification: Uncertain significance for Hereditary cancer-predisposing syndrome. Last evaluated: 2024-06-14. Review status: criteria provided, single submitter. Criteria: Ambry Variant Classification Scheme 2023. Collection method: clinical testing. Allele origin: germline.
Comment: The p.N541S variant (also known as c.1622A>G), located in coding exon 6 of the BLM gene, results from an A to G substitution at nucleotide position 1622. The asparagine at codon 541 is replaced by serine, an amino acid with highly similar properties. This amino acid position is conserved. In addition, this alteration is predicted to be tolerated by in silico analysis. Based on the available evidence, the clinical significance of this variant remains unclear.

Natera, Inc.
Classification: Uncertain significance for Bloom syndrome. Last evaluated: 2021-07-12. Review status: no assertion criteria provided. Collection method: clinical testing. Allele origin: germline. Not counted in ClinVar's aggregate classification.